The following is an entry in ClinVar:

NM_007194.4(CHEK2):c.1560G>A (p.Lys520=)

Gene: CHEK2 (checkpoint kinase 2; minus strand). Cytogenetic location: 22q12.1.
Variant type: single nucleotide variant.
Coding change: c.1560G>A on transcript NM_007194.4 (MANE Select); coding-DNA position 1560, G replaced by A.
Protein change: p.Lys520=; no amino-acid change (lysine 520 retained).
Molecular consequence: synonymous variant.
Genome position (GRCh38, 1-based): chr22:28,687,969, C>T on the plus strand (G>A on the coding strand, the complement: CHEK2 is on the minus strand). VCF-style: chr22-28687969-C-T. GRCh37 (hg19) VCF-style: chr22-29083957-C-T.
Other names: c.1689G>A, p.Lys563= (NM_001005735.3); c.897G>A, p.Lys299= (NM_001257387.3); c.1359G>A, p.Lys453= (NM_001349956.3); c.1473G>A, p.Lys491= (NM_145862.3).
Identifiers: ClinVar variation 819543 (VCV000819543.11), dbSNP rs1601698058, ClinGen allele CA513944675.

ClinVar aggregate classification (germline): Conflicting classifications of pathogenicity. Review status: criteria provided, conflicting classifications (1 of 4 stars). 4 submissions from 4 submitters: Uncertain significance (1); Benign (1); Likely benign (2). Last evaluated 2024-10-08.

Conditions:
Familial cancer of breast. Also called: BREAST CANCER, FAMILIAL; Hereditary breast cancer; hereditary breast carcinoma. Identifiers: Orphanet 227535, MedGen C0346153, MONDO:0016419, OMIM 114480. Disease mechanism: loss of function.
Hereditary cancer-predisposing syndrome. Also called: Neoplastic Syndromes, Hereditary; Tumor predisposition; Hereditary Cancer Syndrome; Hereditary neoplastic syndrome. Identifiers: Orphanet 140162, MedGen C0027672, MeSH D009386, MONDO:0015356.

Submissions (4):

Myriad Genetics, Inc.
Classification: Benign for Familial cancer of breast. Last evaluated: 2024-10-08. Review status: criteria provided, single submitter. Criteria: Myriad Autosomal Dominant, Autosomal Recessive and X-Linked Classification Criteria (2023). Collection method: clinical testing. Allele origin: unknown.
Comment: This variant is considered benign. This variant is a silent/synonymous amino acid change and it is not expected to impact splicing.

GeneDx
Classification: Uncertain significance. Last evaluated: 2023-07-25. Review status: criteria provided, single submitter. Criteria: GeneDx Variant Classification Process June 2021. Collection method: clinical testing. Allele origin: germline. Affected: yes.
Comment: Not observed at significant frequency in large population cohorts (gnomAD); In silico analysis supports that this variant does not alter splicing; Has not been previously published as pathogenic or benign to our knowledge

Labcorp Genetics (formerly Invitae), Labcorp
Classification: Likely benign for Familial cancer of breast. Last evaluated: 2022-11-08. Review status: criteria provided, single submitter. Criteria: Invitae Variant Classification Sherloc (09022015). Collection method: clinical testing. Allele origin: germline.

Ambry Genetics
Classification: Likely benign for Hereditary cancer-predisposing syndrome. Last evaluated: 2019-01-31. Review status: criteria provided, single submitter. Criteria: Ambry Variant Classification Scheme 2023. Collection method: clinical testing. Allele origin: germline.